The following is an entry in ClinVar:

ClinVar aggregate classification (germline): Pathogenic (1 of 4 stars; one submission).

Conditions:
Hereditary cancer-predisposing syndrome. Also called: Hereditary neoplastic syndrome; Hereditary Cancer Syndrome; Neoplastic Syndromes, Hereditary; Tumor predisposition. Identifiers: Orphanet 140162, MedGen C0027672, MeSH D009386, MONDO:0015356.

Submission:

Ambry Genetics
Classification: Pathogenic for Hereditary cancer-predisposing syndrome. Last evaluated: 2023-03-27. Review status: criteria provided, single submitter. Criteria: Ambry Variant Classification Scheme 2023. Collection method: clinical testing. Allele origin: germline.
Comment: The c.1262dupT pathogenic mutation, located in coding exon 13 of the MUTYH gene, results from a duplication of T at nucleotide position 1262, causing a translational frameshift with a predicted alternate stop codon (p.Q422Afs*110). This alteration occurs at the 3' terminus of theMUTYH gene, is not expected to trigger nonsense-mediated mRNA decay, and only impacts the last 23% (128 amino acids) of the protein. However, premature stop codons are typically deleterious in nature, a significant portion of the protein is affected, and the impacted region is critical for protein function (Ambry internal data). This variant is considered to be rare based on population cohorts in the Genome Aggregation Database (gnomAD). Based on the supporting evidence, this alteration is interpreted as a disease-causing mutation.

NM_001048174.2(MUTYH):c.1178dup (p.Gln394fs)

Gene: MUTYH (mutY DNA glycosylase; minus strand). Cytogenetic location: 1p34.1.
Variant type: Duplication.
Coding change: c.1178dup on transcript NM_001048174.2 (MANE Select); coding-DNA position 1178, one base duplicated (T; older notation c.1178dupT).
Protein change: p.Gln394fs; shifts the reading frame from glutamine 394.
Molecular consequence: frameshift variant. On other transcripts: non-coding transcript variant (7).
Genome position (GRCh38, 1-based): chr1:45,331,481, A duplicated on the plus strand (T on the coding strand, the reverse complement: MUTYH is on the minus strand). VCF-style (leftmost placement, unchanged base first): chr1-45331480-C-CA. GRCh37 (hg19) VCF-style: chr1-45797152-C-CA.
Other names: c.1178dup, p.Gln394fs (NM_001048171.2, NM_001048173.2, NM_001293195.2 and 6 more transcripts); c.1181dup, p.Gln395fs (NM_001048172.2, NM_001407071.1, NM_001407078.1 and 1 more transcripts); c.1262dup, p.Gln422fs (NM_001128425.2); c.1223dup, p.Gln409fs (NM_001293190.2); c.1211dup, p.Gln405fs (NM_001293191.2, NM_001407069.1, NM_001407077.1); c.902dup, p.Gln302fs (NM_001293192.2, NM_001293196.2, NM_001407091.1); c.833dup, p.Gln279fs (NM_001350650.2, NM_001350651.2, NM_001407082.1); c.1094dup, p.Gln366fs (NM_001407075.1); and 6 more; short protein forms Q302fs, Q279fs, Q395fs, Q408fs, Q380fs, Q381fs, Q419fs, Q422fs.
Identifiers: ClinVar variation 2567634 (VCV002567634.2), dbSNP rs2523957520, ClinGen allele CA2580611164.
Genomic context (GRCh38, chr1:45,331,480, plus strand): 5'-CTCCCCAAGGTGCCGGAGGTGCGTGGCTGGGAGGGGCCCAGCCCAACGCTGTAGTTCCTG[C>CA]AGCAGGGCCTTGCGCTGAAGCTGCTCTGAGGGCTCCCAGGTCACGGACGGGAACTCCCAC-3'